The following is an entry in ClinVar:

ClinVar aggregate classification (germline): Uncertain significance (1 of 4 stars; one submission).

Conditions:
Hereditary cancer-predisposing syndrome. Also called: Hereditary Cancer Syndrome; Neoplastic Syndromes, Hereditary; Tumor predisposition; Hereditary neoplastic syndrome. Identifiers: Orphanet 140162, MedGen C0027672, MeSH D009386, MONDO:0015356.

Submission:

Ambry Genetics
Classification: Uncertain significance for Hereditary cancer-predisposing syndrome. Last evaluated: 2026-08-11. Review status: criteria provided, single submitter. Criteria: Ambry Variant Classification Scheme 2023. Collection method: clinical testing. Allele origin: germline.
Comment: The p.V40I variant (also known as c.118G>A), located in coding exon 2 of the CTNNA1 gene, results from a G to A substitution at nucleotide position 118. The valine at codon 40 is replaced by isoleucine, an amino acid with highly similar properties. This amino acid position is conserved. In addition, the in silico prediction for this alteration is inconclusive. Based on the available evidence, the clinical significance of this variant remains unclear.

NM_001903.5(CTNNA1):c.118G>A (p.Val40Ile)

Gene: CTNNA1 (catenin alpha 1; plus strand). Cytogenetic location: 5q31.2.
Variant type: single nucleotide variant.
Coding change: c.118G>A on transcript NM_001903.5 (MANE Select); coding-DNA position 118, G replaced by A.
Protein change: p.Val40Ile; replaces valine 40 with isoleucine.
Molecular consequence: missense variant. On other transcripts: intron variant (1), 5 prime UTR variant (1).
Genome position (GRCh38, 1-based): chr5:138,783,189, G>A. VCF-style: chr5-138783189-G-A. GRCh37 (hg19) VCF-style: chr5-138118878-G-A.
Other names: c.118G>A, p.Val40Ile (NM_001290307.3, NM_001323983.1, NM_001323984.2 and 3 more transcripts); c.-9+1160G>A (NM_001290309.3); c.-89G>A (NM_001290310.3); short protein forms V40I.
Identifiers: ClinVar variation 5035004 (VCV005035004.1).